The following is an entry in ClinVar:

ClinVar aggregate classification (germline): Uncertain significance (1 of 4 stars; one submission).

Submission:

GeneDx
Classification: Uncertain significance. Last evaluated: 2024-11-04. Review status: criteria provided, single submitter. Criteria: GeneDx Variant Classification Process June 2021. Collection method: clinical testing. Allele origin: germline. Affected: yes.
Comment: Not observed at significant frequency in large population cohorts (gnomAD); In silico analysis supports that this missense variant has a deleterious effect on protein structure/function; Has not been previously published as pathogenic or benign to our knowledge

NM_006796.3(AFG3L2):c.1628A>T (p.Lys543Ile)

Gene: AFG3L2 (AFG3 like matrix AAA peptidase subunit 2; minus strand). Cytogenetic location: 18p11.21.
Variant type: single nucleotide variant.
Coding change: c.1628A>T on transcript NM_006796.3 (MANE Select); coding-DNA position 1628, A replaced by T.
Protein change: p.Lys543Ile; replaces lysine 543 with isoleucine.
Molecular consequence: missense variant.
Genome position (GRCh38, 1-based): chr18:12,348,308, T>A on the plus strand (A>T on the coding strand, the complement: AFG3L2 is on the minus strand). VCF-style: chr18-12348308-T-A. GRCh37 (hg19) VCF-style: chr18-12348307-T-A.
Other names: short protein forms K543I.
Identifiers: ClinVar variation 3897490 (VCV003897490.1).
Genomic context (GRCh38, chr18:12,348,308, plus strand): 5'-CTTGAGTTATGTTCAGTTTCCTTACCACCAATCACTCGTTCAATTGCCTGTTCAAAGTGT[T>A]TCTGATTTATGGAATCTGACAGATGCCTTGCAGCAATCAACGCAGCTTCATTACAGACAT-3'
Protein context (NP_006787.2, residues 533-553): ARHLSDSINQ[Lys543Ile]HFEQAIERVI